The following is an entry in ClinVar:

NM_000785.4(CYP27B1):c.230T>C (p.Leu77Pro)

Gene: CYP27B1 (cytochrome P450 family 27 subfamily B member 1; minus strand). Cytogenetic location: 12q14.1.
Variant type: single nucleotide variant.
Coding change: c.230T>C on transcript NM_000785.4 (MANE Select); coding-DNA position 230, T replaced by C.
Protein change: p.Leu77Pro; replaces leucine 77 with proline.
Molecular consequence: missense variant.
Genome position (GRCh38, 1-based): chr12:57,766,163, A>G on the plus strand (T>C on the coding strand, the complement: CYP27B1 is on the minus strand). VCF-style: chr12-57766163-A-G. GRCh37 (hg19) VCF-style: chr12-58159946-A-G.
Other names: short protein forms L77P.
Identifiers: ClinVar variation 1975900 (VCV001975900.3), dbSNP rs2540918360, ClinGen allele CA385509447.

ClinVar aggregate classification (germline): Uncertain significance (1 of 4 stars; one submission).

Allele frequency attached by ClinVar (database versions not stated): gnomAD exomes 0.00001.

Submission:

Labcorp Genetics (formerly Invitae), Labcorp
Classification: Uncertain significance. Last evaluated: 2022-06-08. Review status: criteria provided, single submitter. Criteria: Invitae Variant Classification Sherloc (09022015). Collection method: clinical testing. Allele origin: germline.
Comment: This variant has not been reported in the literature in individuals affected with CYP27B1-related conditions. This variant is not present in population databases (gnomAD no frequency). This sequence change replaces leucine, which is neutral and non-polar, with proline, which is neutral and non-polar, at codon 77 of the CYP27B1 protein (p.Leu77Pro). Algorithms developed to predict the effect of missense changes on protein structure and function are either unavailable or do not agree on the potential impact of this missense change (SIFT: "Tolerated"; PolyPhen-2: "Possibly Damaging"; Align-GVGD: "Class C0"). In summary, the available evidence is currently insufficient to determine the role of this variant in disease. Therefore, it has been classified as a Variant of Uncertain Significance.